The following is an entry in ClinVar:

ClinVar aggregate classification (germline): Likely pathogenic (1 of 4 stars; one submission).

Conditions:
Hereditary spastic paraplegia 15 (SPG15). Also called: SPASTIC PARAPLEGIA 15, AUTOSOMAL RECESSIVE; KJELLIN SYNDROME; SPASTIC PARAPLEGIA AND RETINAL DEGENERATION. Identifiers: Orphanet 100996, MedGen C1849128, MONDO:0010044, OMIM 270700.

Submission:

Dasa
Classification: Likely pathogenic for Hereditary spastic paraplegia 15. Last evaluated: 2026-02-21. Review status: criteria provided, single submitter. Criteria: DASA Assertion Criteria. Collection method: clinical testing. Allele origin: germline.
Comment: NM_015346.4(ZFYVE26):c.6102del (p.Val2035*) is a frameshift variant in ZFYVE26 predicted to alter the reading frame and introduce a premature termination codon and is predicted to result in an absent or altered protein product. Loss of function is an established disease mechanism for ZFYVE26-associated disorders. Also, this variant is absent from population databases. Based on the currently available evidence, this variant is classified as likely pathogenic.

NM_015346.4(ZFYVE26):c.6102del (p.Ala2034_Val2035insTer)

Gene: ZFYVE26 (zinc finger FYVE-type containing 26; minus strand). Cytogenetic location: 14q24.1.
Variant type: Deletion.
Coding change: c.6102del on transcript NM_015346.4 (MANE Select); coding-DNA position 6102, one base deleted (A; older notation c.6102delA).
Protein change: p.Ala2034_Val2035insTer.
Molecular consequence: frameshift variant.
Genome position (GRCh38, 1-based): chr14:67,762,729, T deleted on the plus strand (A on the coding strand, the reverse complement: ZFYVE26 is on the minus strand). VCF-style (leftmost placement, unchanged base first): chr14-67762728-CT-C. GRCh37 (hg19) VCF-style: chr14-68229445-CT-C.
Identifiers: ClinVar variation 4880603 (VCV004880603.2).